The following is an entry in ClinVar:

NM_001040716.2(PC):c.203C>T (p.Ser68Phe)

Gene: PC (pyruvate carboxylase; minus strand). Cytogenetic location: 11q13.2.
Variant type: single nucleotide variant.
Coding change: c.203C>T on transcript NM_001040716.2 (MANE Select); coding-DNA position 203, C replaced by T.
Protein change: p.Ser68Phe; replaces serine 68 with phenylalanine.
Molecular consequence: missense variant.
Genome position (GRCh38, 1-based): chr11:66,871,805, G>A on the plus strand (C>T on the coding strand, the complement: PC is on the minus strand). VCF-style: chr11-66871805-G-A. GRCh37 (hg19) VCF-style: chr11-66639276-G-A.
Other names: c.203C>T, p.Ser68Phe (NM_000920.4, NM_022172.3); short protein forms S68F.
Identifiers: ClinVar variation 2094564 (VCV002094564.5), dbSNP rs1946745680, ClinGen allele CA381503011.

ClinVar aggregate classification (germline): Uncertain significance. Review status: criteria provided, multiple submitters, no conflicts (2 of 4 stars). 2 submissions from 2 submitters: Uncertain significance (2). Last evaluated 2022-06-07.

Conditions:
Pyruvate carboxylase deficiency. Also called: ATAXIA WITH LACTIC ACIDOSIS II; PC DEFICIENCY; LEIGH NECROTIZING ENCEPHALOPATHY DUE TO PYRUVATE CARBOXYLASE DEFICIENCY; LEIGH SYNDROME DUE TO PYRUVATE CARBOXYLASE DEFICIENCY; Pyruvate Carboxylase Deficiency Disease. Identifiers: Orphanet 3008, MedGen C0034341, MONDO:0009949, OMIM 266150.

Submissions (2):

Labcorp Genetics (formerly Invitae), Labcorp
Classification: Uncertain significance for Pyruvate carboxylase deficiency. Last evaluated: 2022-06-07. Review status: criteria provided, single submitter. Criteria: Invitae Variant Classification Sherloc (09022015). Collection method: clinical testing. Allele origin: germline.
Comment: This variant has not been reported in the literature in individuals affected with PC-related conditions. Algorithms developed to predict the effect of missense changes on protein structure and function are either unavailable or do not agree on the potential impact of this missense change (SIFT: "Deleterious"; PolyPhen-2: "Probably Damaging"; Align-GVGD: "Class C15"). In summary, the available evidence is currently insufficient to determine the role of this variant in disease. Therefore, it has been classified as a Variant of Uncertain Significance. This variant is not present in population databases (gnomAD no frequency). This sequence change replaces serine, which is neutral and polar, with phenylalanine, which is neutral and non-polar, at codon 68 of the PC protein (p.Ser68Phe).

Blueprint Genetics
Classification: Uncertain significance. Last evaluated: 2019-03-26. Review status: criteria provided, single submitter. Criteria: ACMG Guidelines, 2015. Collection method: clinical testing. Allele origin: germline.